The following is an entry in ClinVar:

NM_006269.2(RP1):c.2105_2108del (p.Ile702fs)

Gene: RP1 (RP1 axonemal microtubule associated; plus strand). Cytogenetic location: 8q12.1.
Variant type: Deletion.
Coding change: c.2105_2108del on transcript NM_006269.2 (MANE Select); coding-DNA positions 2105 to 2108, 4 bases deleted (TAAA; older notation c.2105_2108delTAAA).
Protein change: p.Ile702fs; shifts the reading frame from isoleucine 702.
Molecular consequence: frameshift variant. On other transcripts: intron variant (1).
Genome position (GRCh38, 1-based): chr8:54,625,987-54,625,990, TAAA deleted; deleting any 4 consecutive bases within chr8:54,625,985-54,625,990 gives the same sequence; the c. name uses the placement nearest the transcript's 3' end. VCF-style (leftmost placement, unchanged base first): chr8-54625984-GAATA-G. GRCh37 (hg19) VCF-style: chr8-55538544-GAATA-G.
Other names: c.787+3699_787+3702del (NM_001375654.1); short protein forms I702fs.
Identifiers: ClinVar variation 866555 (VCV000866555.8), dbSNP rs1806033441, ClinGen allele CA916082988.

ClinVar aggregate classification (germline): Pathogenic. Review status: criteria provided, multiple submitters, no conflicts (2 of 4 stars). 2 submissions from 2 submitters: Pathogenic (2). Last evaluated 2025-03-17.

Conditions:
RP1-related disorder. Also called: RP1-related condition.

Submissions (2):

Labcorp Genetics (formerly Invitae), Labcorp
Classification: Pathogenic. Last evaluated: 2025-03-17. Review status: criteria provided, single submitter. Criteria: Invitae Variant Classification Sherloc (09022015). Collection method: clinical testing. Allele origin: germline.
Comment: This sequence change creates a premature translational stop signal (p.Ile702Thrfs*10) in the RP1 gene. While this is not anticipated to result in nonsense mediated decay, it is expected to disrupt the last 1455 amino acid(s) of the RP1 protein. This variant is not present in population databases (gnomAD no frequency). This premature translational stop signal has been observed in individual(s) with retinitis pigmentosa (internal data). ClinVar contains an entry for this variant (Variation ID: 866555). This variant disrupts the C-terminus of the RP1 protein. Many variants that disrupt this region have been reported in individuals with either autosomal dominant or autosomal recessive retinitis pigmentosa (PMID: 11527933, 19933189, 29425069, 30027431, 33681214). Therefore, variants that disrupt this region are expected to be disease-causing. For these reasons, this variant has been classified as Pathogenic.

Blueprint Genetics
Classification: Pathogenic for RP1-related disorders. Last evaluated: 2019-02-21. Review status: criteria provided, single submitter. Criteria: ACMG Guidelines, 2015. Collection method: clinical testing. Allele origin: germline. Affected: yes. Observed: 5 variant alleles.

Literature cited by the submitters: PubMed 11527933 (cited by Labcorp Genetics (formerly Invitae), Labcorp); PubMed 19933189 (cited by Labcorp Genetics (formerly Invitae), Labcorp); PubMed 29425069 (cited by Labcorp Genetics (formerly Invitae), Labcorp); PubMed 30027431 (cited by Labcorp Genetics (formerly Invitae), Labcorp); PubMed 33681214 (cited by Labcorp Genetics (formerly Invitae), Labcorp).